The following is an entry in ClinVar:

NM_213607.3(DNAAF19):c.553C>T (p.Arg185Trp)

Gene: DNAAF19 (dynein axonemal assembly factor 19; plus strand). Cytogenetic location: 17q21.31.
Variant type: single nucleotide variant.
Coding change: c.553C>T on transcript NM_213607.3 (MANE Select); coding-DNA position 553, C replaced by T.
Protein change: p.Arg185Trp; replaces arginine 185 with tryptophan.
Molecular consequence: missense variant. On other transcripts: 3 prime UTR variant (3).
Genome position (GRCh38, 1-based): chr17:44,902,641, C>T. VCF-style: chr17-44902641-C-T. GRCh37 (hg19) VCF-style: chr17-42980009-C-T.
Other names: c.553C>T, p.Arg185Trp (NM_001258395.2, NM_001258396.2); c.*303C>T (NM_001258397.3); c.*242C>T (NM_001258398.3, NM_001258399.2); short protein forms R185W.
Identifiers: ClinVar variation 1441464 (VCV001441464.3), dbSNP rs773807492, ClinGen allele CA8608398.

ClinVar aggregate classification (germline): Uncertain significance (1 of 4 stars; one submission).

Conditions:
Primary ciliary dyskinesia. Also called: Ciliary dyskinesia. Identifiers: Orphanet 244, MedGen C0008780, MONDO:0016575, HP:0012265.

Allele frequency attached by ClinVar (database versions not stated): gnomAD 0.00001; TOPMed 0.00001; ExAC 0.00002; gnomAD exomes 0.00002 and 0.00004.
gnomAD v4.1: 57 of 1,614,008 alleles (0.0035%); highest among the groups gnomAD compares: Non-Finnish European, 0.0046%; no homozygotes.

Submission:

Labcorp Genetics (formerly Invitae), Labcorp
Classification: Uncertain significance for Primary ciliary dyskinesia. Last evaluated: 2021-11-18. Review status: criteria provided, single submitter. Criteria: Invitae Variant Classification Sherloc (09022015). Collection method: clinical testing. Allele origin: germline.
Comment: This sequence change replaces arginine, which is basic and polar, with tryptophan, which is neutral and slightly polar, at codon 185 of the CCDC103 protein (p.Arg185Trp). This variant is present in population databases (rs773807492, gnomAD 0.005%). This variant has not been reported in the literature in individuals affected with CCDC103-related conditions. Algorithms developed to predict the effect of missense changes on protein structure and function are either unavailable or do not agree on the potential impact of this missense change (SIFT: "Deleterious"; PolyPhen-2: "Possibly Damaging"; Align-GVGD: "Class C0"). In summary, the available evidence is currently insufficient to determine the role of this variant in disease. Therefore, it has been classified as a Variant of Uncertain Significance.